The following is an entry in ClinVar:

NM_006231.4(POLE):c.5854A>G (p.Asn1952Asp)

Gene: POLE (DNA polymerase epsilon, catalytic subunit; minus strand). Cytogenetic location: 12q24.33.
Variant type: single nucleotide variant.
Coding change: c.5854A>G on transcript NM_006231.4 (MANE Select); coding-DNA position 5854, A replaced by G.
Protein change: p.Asn1952Asp; replaces asparagine 1952 with aspartic acid.
Molecular consequence: missense variant.
Genome position (GRCh38, 1-based): chr12:132,634,336, T>C on the plus strand (A>G on the coding strand, the complement: POLE is on the minus strand). VCF-style: chr12-132634336-T-C. GRCh37 (hg19) VCF-style: chr12-133210922-T-C.
Other names: short protein forms N1952D.
Identifiers: ClinVar variation 1488086 (VCV001488086.9), dbSNP rs2041993956, ClinGen allele CA387371776.

ClinVar aggregate classification (germline): Conflicting classifications of pathogenicity. Review status: criteria provided, conflicting classifications (1 of 4 stars). 2 submissions from 2 submitters: Uncertain significance (1); Likely benign (1). Last evaluated 2024-12-16.

Conditions:
Hereditary cancer-predisposing syndrome. Also called: Hereditary neoplastic syndrome; Neoplastic Syndromes, Hereditary; Hereditary Cancer Syndrome; Tumor predisposition. Identifiers: Orphanet 140162, MedGen C0027672, MeSH D009386, MONDO:0015356.

gnomAD v4.1: 1 of 1,614,058 alleles (0.000062%); highest among the groups gnomAD compares: South Asian, 0.0011%; no homozygotes.

Submissions (2):

Ambry Genetics
Classification: Likely benign for Hereditary cancer-predisposing syndrome. Last evaluated: 2024-12-16. Review status: criteria provided, single submitter. Criteria: Ambry Variant Classification Scheme 2023. Collection method: clinical testing. Allele origin: germline.

Labcorp Genetics (formerly Invitae), Labcorp
Classification: Uncertain significance. Last evaluated: 2024-04-14. Review status: criteria provided, single submitter. Criteria: Invitae Variant Classification Sherloc (09022015). Collection method: clinical testing. Allele origin: germline.
Comment: This sequence change replaces asparagine, which is neutral and polar, with aspartic acid, which is acidic and polar, at codon 1952 of the POLE protein (p.Asn1952Asp). This variant is not present in population databases (gnomAD no frequency). This variant has not been reported in the literature in individuals affected with POLE-related conditions. ClinVar contains an entry for this variant (Variation ID: 1488086). Algorithms developed to predict the effect of missense changes on protein structure and function output the following: SIFT: "Not Available"; PolyPhen-2: "Benign"; Align-GVGD: "Not Available". The aspartic acid amino acid residue is found in multiple mammalian species, which suggests that this missense change does not adversely affect protein function. In summary, the available evidence is currently insufficient to determine the role of this variant in disease. Therefore, it has been classified as a Variant of Uncertain Significance.